The following is an entry in ClinVar:

NM_000393.5(COL5A2):c.928C>A (p.Pro310Thr)

Gene: COL5A2 (collagen type V alpha 2 chain; minus strand). Cytogenetic location: 2q32.2.
Variant type: single nucleotide variant.
Coding change: c.928C>A on transcript NM_000393.5 (MANE Select); coding-DNA position 928, C replaced by A.
Protein change: p.Pro310Thr; replaces proline 310 with threonine.
Molecular consequence: missense variant.
Genome position (GRCh38, 1-based): chr2:189,080,010, G>T on the plus strand (C>A on the coding strand, the complement: COL5A2 is on the minus strand). VCF-style: chr2-189080010-G-T. GRCh37 (hg19) VCF-style: chr2-189944736-G-T.
Other names: short protein forms P310T.
Identifiers: ClinVar variation 1994145 (VCV001994145.4), dbSNP rs2469342905, ClinGen allele CA349856622.

ClinVar aggregate classification (germline): Uncertain significance (1 of 4 stars; one submission).

Conditions:
Ehlers-Danlos syndrome, classic type, 1 (EDSCL1). Also called: EHLERS-DANLOS SYNDROME, GRAVIS TYPE; EHLERS-DANLOS SYNDROME, SEVERE CLASSIC TYPE; Ehlers-Danlos syndrome, type 1; EDS I; Ehlers-Danlos Syndrome, Classic Type, COL5A1-Related. Identifiers: MedGen C0268335, MONDO:0019567, OMIM 130000.

Submission:

Labcorp Genetics (formerly Invitae), Labcorp
Classification: Uncertain significance for Ehlers-Danlos syndrome, classic type, 1. Last evaluated: 2022-07-22. Review status: criteria provided, single submitter. Criteria: Invitae Variant Classification Sherloc (09022015). Collection method: clinical testing. Allele origin: germline.
Comment: This sequence change replaces proline, which is neutral and non-polar, with threonine, which is neutral and polar, at codon 310 of the COL5A2 protein (p.Pro310Thr). This variant is not present in population databases (gnomAD no frequency). This variant has not been reported in the literature in individuals affected with COL5A2-related conditions. Advanced modeling of protein sequence and biophysical properties (such as structural, functional, and spatial information, amino acid conservation, physicochemical variation, residue mobility, and thermodynamic stability) performed at Invitae indicates that this missense variant is not expected to disrupt COL5A2 protein function. In summary, the available evidence is currently insufficient to determine the role of this variant in disease. Therefore, it has been classified as a Variant of Uncertain Significance.